The following is an entry in ClinVar:

ClinVar aggregate classification (germline): Uncertain significance (1 of 4 stars; one submission).

Conditions:
X-linked agammaglobulinemia with growth hormone deficiency (IGHD3). Also called: Isolated growth hormone deficiency type 3; Growth hormone deficiency with hypogammaglobulinemia; FLEISHER SYNDROME; HYPOGAMMAGLOBULINEMIA AND ISOLATED GROWTH HORMONE DEFICIENCY, X-LINKED; IGHD III; AGAMMAGLOBULINEMIA AND ISOLATED GROWTH HORMONE DEFICIENCY, X-LINKED. Identifiers: Orphanet 231692, Orphanet 631, MedGen C0472813, MONDO:0010615, OMIM 307200.

Allele frequency attached by ClinVar (database versions not stated): gnomAD exomes below 0.00001; gnomAD 0.00001; TOPMed 0.00001.
gnomAD v4.1: 2 of 1,208,632 alleles (0.00017%); highest among the groups gnomAD compares: Non-Finnish European, 0.00022%; no homozygotes.

Submission:

Labcorp Genetics (formerly Invitae), Labcorp
Classification: Uncertain significance for X-linked agammaglobulinemia with growth hormone deficiency. Last evaluated: 2024-12-24. Review status: criteria provided, single submitter. Criteria: Invitae Variant Classification Sherloc (09022015). Collection method: clinical testing. Allele origin: germline.
Comment: This sequence change replaces serine, which is neutral and polar, with proline, which is neutral and non-polar, at codon 378 of the BTK protein (p.Ser378Pro). This variant is present in population databases (no rsID available, gnomAD 0.001%). This variant has not been reported in the literature in individuals affected with BTK-related conditions. ClinVar contains an entry for this variant (Variation ID: 1990113). Invitae Evidence Modeling of protein sequence and biophysical properties (such as structural, functional, and spatial information, amino acid conservation, physicochemical variation, residue mobility, and thermodynamic stability) has been performed for this missense variant. However, the output from this modeling did not meet the statistical confidence thresholds required to predict the impact of this variant on BTK protein function. In summary, the available evidence is currently insufficient to determine the role of this variant in disease. Therefore, it has been classified as a Variant of Uncertain Significance.

NM_000061.3(BTK):c.1132T>C (p.Ser378Pro)

Gene: BTK (Bruton tyrosine kinase; minus strand). Cytogenetic location: Xq22.1.
Variant type: single nucleotide variant.
Coding change: c.1132T>C on transcript NM_000061.3 (MANE Select); coding-DNA position 1132, T replaced by C.
Protein change: p.Ser378Pro; replaces serine 378 with proline.
Molecular consequence: missense variant. On other transcripts: intron variant (1).
Genome position (GRCh38, 1-based): chrX:101,357,554, A>G on the plus strand (T>C on the coding strand, the complement: BTK is on the minus strand). VCF-style: chrX-101357554-A-G. GRCh37 (hg19) VCF-style: chrX-100612542-A-G.
Other names: c.1234T>C, p.Ser412Pro (NM_001287344.2); c.1038+820T>C (NM_001287345.2); short protein forms S378P, S412P.
Identifiers: ClinVar variation 1990113 (VCV001990113.3), dbSNP rs1321990671, ClinGen allele CA413926421.